The following is an entry in ClinVar:

ClinVar aggregate classification (germline): Pathogenic/Likely pathogenic. Review status: criteria provided, multiple submitters, no conflicts (2 of 4 stars). 13 submissions from 13 submitters: Pathogenic (10); Likely pathogenic (1). 2 of the submissions do not count toward it. Last evaluated 2025-07-18.

Conditions:
SOS1-related disorder. Also called: SOS1-related condition.
Cardiovascular phenotype. Identifiers: MedGen CN230736.
RASopathy. Also called: rasopathies; Noonan spectrum disorder. Identifiers: Orphanet 536391, MedGen C5555857, MONDO:0021060.
Noonan syndrome (NS). Also called: Noonan's syndrome. Identifiers: Orphanet 648, MedGen C0028326, MeSH D009634, MONDO:0018997. Disease mechanism: gain of function.
Noonan syndrome 4 (NS4). Also called: NOONAN SYNDROME WITH PIGMENTED VILLONODULAR SYNOVITIS; SOS1-Related Noonan Syndrome. Identifiers: Orphanet 648, MedGen C1853120, MONDO:0012547, OMIM 610733.
Noonan syndrome 1 (NS1). Also called: FEMALE PSEUDO-TURNER SYNDROME; TURNER PHENOTYPE WITH NORMAL KARYOTYPE; PTPN11-Related Noonan Syndrome. Identifiers: Orphanet 648, MedGen C4551602, MONDO:0008104, OMIM 163950. Disease mechanism: gain of function.

gnomAD v4.1: 3 of 1,613,634 alleles (0.00019%); highest among the groups gnomAD compares: African/African-American, 0.0013%; no homozygotes.

Submissions (13):

GeneDx
Classification: Pathogenic. Last evaluated: 2025-07-18. Review status: criteria provided, single submitter. Criteria: GeneDx Variant Classification Process June 2021. Collection method: clinical testing. Allele origin: germline. Affected: yes.
Comment: Published functional studies found this variant is associated with increased RAS exchange activity and induces pERK induction (PMID: 23487764); Not observed at significant frequency in large population cohorts (gnomAD); In silico analysis supports that this missense variant has a deleterious effect on protein structure/function; Missense variants in this gene are a common cause of disease and they are underrepresented in the general population; This variant is associated with the following publications: (PMID: 24803665, 24451042, 21387466, 18854871, 22190897, 17143282, 35982159, 35506549, 35982160, 29493581, 35386434, 34204435, 36964972, 31219622, 35904599, 31560489, 34434697, 23487764)

Labcorp Genetics (formerly Invitae), Labcorp
Classification: Pathogenic for RASopathy. Last evaluated: 2024-12-09. Review status: criteria provided, single submitter. Criteria: Invitae Variant Classification Sherloc (09022015). Collection method: clinical testing. Allele origin: germline.
Comment: This sequence change replaces leucine, which is neutral and non-polar, with proline, which is neutral and non-polar, at codon 550 of the SOS1 protein (p.Leu550Pro). This variant is not present in population databases (gnomAD no frequency). This missense change has been observed in individuals with Noonan syndrome (PMID: 17143282, 18854871, 22190897, 24451042). ClinVar contains an entry for this variant (Variation ID: 40680). Invitae Evidence Modeling of protein sequence and biophysical properties (such as structural, functional, and spatial information, amino acid conservation, physicochemical variation, residue mobility, and thermodynamic stability) indicates that this missense variant is expected to disrupt SOS1 protein function with a positive predictive value of 95%. Experimental studies have shown that this missense change affects SOS1 function (PMID: 23487764). For these reasons, this variant has been classified as Pathogenic.

Ambry Genetics
Classification: Likely pathogenic for Cardiovascular phenotype. Last evaluated: 2024-04-11. Review status: criteria provided, single submitter. Criteria: Ambry Variant Classification Scheme 2023. Collection method: clinical testing. Allele origin: germline.
Comment: The p.L550P variant (also known as c.1649T>C), located in coding exon 10 of the SOS1 gene, results from a T to C substitution at nucleotide position 1649. The leucine at codon 550 is replaced by proline, an amino acid with similar properties. This alteration has been reported in individuals with Noonan syndrome (Tartaglia M et al. Nat Genet, 2007 Jan;39:75-9; Chinton J et al. Arch Argent Pediatr, 2019 Oct;117:330-337; Li X et al. Clin Genet, 2019 Oct;96:290-299; Follansbee CW et al. HeartRhythm Case Rep, 2021 Aug;7:510-513; Papadopoulos G et al. Eur J Pediatr, 2022 Oct;181:3691-3700). In an assay testing SOS1 function, this variant showed a functionally abnormal result (Smith MJ et al. Proc Natl Acad Sci U S A, 2013 Mar;110:4574-9). This amino acid position is highly conserved in available vertebrate species. In addition, this alteration is predicted to be deleterious by in silico analysis. This variant is considered to be rare based on population cohorts in the Genome Aggregation Database (gnomAD). Based on the majority of available evidence to date, this variant is likely to be pathogenic.

Mayo Clinic Laboratories, Mayo Clinic
Classification: Pathogenic. Last evaluated: 2024-03-28. Review status: criteria provided, single submitter. Criteria: ACMG Guidelines, 2015. Collection method: clinical testing. Allele origin: germline. Observed: 1 variant allele.
Comment: PP3, PM2, PS3, PS4

MVZ Medizinische Genetik Mainz
Classification: Pathogenic for Noonan syndrome 4. Last evaluated: 2023-10-25. Review status: criteria provided, single submitter. Criteria: UK Practice Guidelines For Variant Classification V4 01 2020. Collection method: clinical testing. Allele origin: germline. Inheritance: Autosomal dominant inheritance. Affected: yes. Observed: 1 variant allele.
Comment: ACMG Criteria: PS3,PS4,PP3_STR,PM2_SUP_MOD,PP2

CeGaT Center for Human Genetics Tuebingen
Classification: Pathogenic. Last evaluated: 2023-07-01. Review status: criteria provided, single submitter. Criteria: CeGaT Center For Human Genetics Tuebingen Variant Classification Criteria Version 2. Collection method: clinical testing. Allele origin: germline. Affected: yes. Observed: 2 variant alleles.
Comment: SOS1: PS4, PM1, PM2, PM5, PP3, PS3:Supporting

PreventionGenetics, part of Exact Sciences
Classification: Pathogenic for SOS1-related condition. Last evaluated: 2023-06-01. Review status: criteria provided, single submitter. Criteria: ACMG Guidelines, 2015. Collection method: clinical testing. Allele origin: germline.
Comment: The SOS1 c.1649T>C variant is predicted to result in the amino acid substitution p.Leu550Pro. This variant has been reported in an individual with Noonan Syndrome (Tartaglia et al. 2007. PubMed ID: 17143282; Chinton et al. 2019. PubMed ID: 31560489; Table S1 - Li et al. 2019. PubMed ID: 31219622). Functional studies demonstrated elevated levels of pERK and an increased rate of RAS nucleotide exchange, consistent with a gain-of-function mechanism (Smith et al. 2013. PubMed ID: 23487764). Additionally, different amino acid substitutions near this residue (p.Ser548Arg, p.Thr549Lys, p.Arg552Gly, p.Arg552Trp, p.Arg552Lys, p.Arg552Thr, p.Arg552Met, p.Arg552Ser) have been reported as pathogenic (Human Gene Mutation Database). This variant has not been reported in a large population database, indicating this variant is rare. This variant has been interpreted as pathogenic by multiple clinical labs in the ClinVar database. This variant is interpreted as pathogenic.

Victorian Clinical Genetics Services, Murdoch Childrens Research Institute
Classification: Pathogenic for Noonan syndrome 4. Last evaluated: 2020-10-19. Review status: criteria provided, single submitter. Criteria: ACMG Guidelines, 2015. Collection method: clinical testing. Allele origin: germline. Inheritance: Autosomal dominant inheritance. Affected: yes.
Comment: Based on the classification scheme VCGS_Germline_v1.3.3, this variant is classified as Pathogenic. Following criteria are met: 0101 - Gain of function is a known mechanism of disease in this gene and is associated with Noonan syndrome (MIM#610733) (OMIM). Gain of function is established for the vast majority of missense variants however, loss of function has also been suggested for one missense variant due to the resulting unstable protein (PMID: 17143285). (I) 0107 - This gene is associated with autosomal dominant disease. (I) 0200 - Variant is predicted to result in a missense amino acid change from leucine to proline. (I) 0251 - This variant is heterozygous. (I) 0301 - Variant is absent from gnomAD (both v2 and v3). (SP) 0309 - An alternative amino acid change at the same position has been observed in gnomAD (v2) (1 heterozygote, 0 homozygotes). (I) 0501 - Missense variant consistently predicted to be damaging by multiple in silico tools or highly conserved with a major amino acid change. (SP) 0602 - Variant is located in a hotspot region or cluster of pathogenic variants. The variant is located in a cluster of pathogenic variants in the PH-REM linker domain (Decipher; PMID: 17143282). (SP) 0801 - This variant has strong previous evidence of pathogenicity in unrelated individuals. This variant has been reported in at least 5 individuals with Noonan syndrome (ClinVar; PMIDs: 17143282, 18854871, 31560489, 31219622). (SP) 1002 - This variant has moderate functional evidence supporting abnormal protein function. Mutant cDNA constructs transfected into HEK293T cells demonstrated increased pERK induction in serum starved cells and increased RAS exchange activity compared to wild type cDNA constructs (PMID: 23487764). (SP) 1208 - Inheritance information for this variant is not currently available in this individual. (I) Legend: (SP) - Supporting pathogenic, (I) - Information, (SB) - Supporting benign

Women's Health and Genetics/Laboratory Corporation of America, LabCorp
Classification: Pathogenic for Rasopathy. Last evaluated: 2020-07-20. Review status: criteria provided, single submitter. Criteria: LabCorp Variant Classification Summary - May 2015. Collection method: clinical testing. Allele origin: germline.
Comment: Variant summary: SOS1 c.1649T>C (p.Leu550Pro) results in a non-conservative amino acid change located in the plekstrin homology domain-RAS exchanger motif domain linker (Tartaglia_2007) of the encoded protein sequence. Five of five in-silico tools predict a damaging effect of the variant on protein function. The variant was absent in 251176 control chromosomes (gnomAD). c.1649T>C has been reported in the literature in multiple individuals affected with Noonan Syndrome (Tartaglia_2007, Neumann_2008, Digilio_2011, Lepri_2014, Li_2019), including cosegregating with disease in families (Tartaglia_2007). These data indicate that the variant is very likely to be associated with disease. In vitro studies report this variant results in increased ERK activation and RAS exchange rate compared to wild type in cells. Two ClinVar submitters (evaluation after 2014) cite the variant as pathogenic. Based on the evidence outlined above, the variant was classified as pathogenic.

Revvity Omics, Revvity
Classification: Pathogenic. Last evaluated: 2019-02-22. Review status: criteria provided, single submitter. Criteria: ACMG Guidelines, 2015. Collection method: clinical testing. Allele origin: germline.

Genome-Nilou Lab
Classification: Pathogenic for Noonan syndrome 4. Review status: criteria provided, single submitter. Criteria: ACMG Guidelines, 2015. Collection method: clinical testing. Allele origin: germline.

Laboratory for Molecular Medicine, Mass General Brigham Personalized Medicine
Classification: Pathogenic for Noonan syndrome. Last evaluated: 2006-12-04. Review status: no assertion criteria provided. Collection method: clinical testing. Allele origin: germline. Observed: 6 variant alleles. Not counted in ClinVar's aggregate classification.

Division of Human Genetics, National Health Laboratory Service/University of the Witwatersrand
Classification: Pathogenic for Noonan syndrome 1. Review status: no assertion criteria provided. Collection method: research. Allele origin: unknown. Affected: yes. Observed: 1 variant allele. Not counted in ClinVar's aggregate classification.

Literature cited by the submitters: PubMed 17143282 (cited by 6 submitters); PubMed 18854871 (cited by 5 submitters); PubMed 22190897 (cited by 4 submitters); PubMed 24451042 (cited by 3 submitters); PubMed 23487764 (cited by 5 submitters); PubMed 31219622 (cited by 4 submitters); PubMed 31560489 (cited by 3 submitters); PubMed 34434697 (cited by Ambry Genetics); PubMed 35904599 (cited by Ambry Genetics and Mayo Clinic Laboratories, Mayo Clinic); PubMed 21779504 (cited by Mayo Clinic Laboratories, Mayo Clinic and Women's Health and Genetics/Laboratory Corporation of America, LabCorp); PubMed 35506549 (cited by Mayo Clinic Laboratories, Mayo Clinic); PubMed 35982160 (cited by Mayo Clinic Laboratories, Mayo Clinic); PubMed 17143285 (cited by Victorian Clinical Genetics Services, Murdoch Childrens Research Institute).

NM_005633.4(SOS1):c.1649T>C (p.Leu550Pro)

Gene: SOS1 (SOS Ras/Rac guanine nucleotide exchange factor 1; minus strand). Cytogenetic location: 2p22.1.
Variant type: single nucleotide variant.
Coding change: c.1649T>C on transcript NM_005633.4 (MANE Select); coding-DNA position 1649, T replaced by C.
Protein change: p.Leu550Pro; replaces leucine 550 with proline.
Molecular consequence: missense variant.
Genome position (GRCh38, 1-based): chr2:39,022,779, A>G on the plus strand (T>C on the coding strand, the complement: SOS1 is on the minus strand). VCF-style: chr2-39022779-A-G. GRCh37 (hg19) VCF-style: chr2-39249920-A-G.
Other names: p.L550P:CTG>CCG; c.1628T>C, p.Leu543Pro (NM_001382394.1); c.1649T>C, p.Leu550Pro (NM_001382395.1); short protein forms L550P, L543P.
Identifiers: ClinVar variation 40680 (VCV000040680.49), dbSNP rs397517153, ClinGen allele CA261724.